The following is an entry in ClinVar:

NM_001023.4(RPS20):c.283_285del (p.Ser95del)

Gene: RPS20 (ribosomal protein S20; minus strand). Cytogenetic location: 8q12.1.
Variant type: Deletion.
Coding change: c.283_285del on transcript NM_001023.4 (MANE Select); coding-DNA positions 283 to 285, 3 bases deleted (TCT; older notation c.283_285delTCT).
Protein change: p.Ser95del; deletes serine 95.
Molecular consequence: inframe deletion.
Genome position (GRCh38, 1-based): chr8:56,073,165-56,073,167, AGA deleted on the plus strand (TCT on the coding strand, the reverse complement: RPS20 is on the minus strand); deleting any 3 consecutive bases within chr8:56,073,165-56,073,169 gives the same sequence; the c. name uses the placement nearest the transcript's 3' end. VCF-style (leftmost placement, unchanged base first): chr8-56073164-CAGA-C. GRCh37 (hg19) VCF-style: chr8-56985723-CAGA-C.
Other names: c.283_285del, p.Ser95del (NM_001146227.3); c.283_285delTCT (NM_001023.3); short protein forms S95del.
Identifiers: ClinVar variation 937633 (VCV000937633.10), dbSNP rs1809813986, ClinGen allele CA1114119401.

ClinVar aggregate classification (germline): Uncertain significance. Review status: criteria provided, multiple submitters, no conflicts (2 of 4 stars). 2 submissions from 2 submitters: Uncertain significance (2). Last evaluated 2025-11-13.

Submissions (2):

Ambry Genetics
Classification: Uncertain significance. Last evaluated: 2025-11-13. Review status: criteria provided, single submitter. Criteria: Ambry Variant Classification Scheme 2023. Collection method: clinical testing. Allele origin: germline.
Comment: The c.283_285delTCT variant (also known as p.S95del) is located in coding exon 4 of the RPS20 gene. This variant results from an in-frame TCT deletion at nucleotide positions 283 to 285. This results in the in-frame deletion of a serine at codon 95. This amino acid position is highly conserved in available vertebrate species. In addition, this variant is predicted to be deleterious by in silico analysis (Choi Y et al. PLoS ONE. 2012; 7(10):e46688). Based on the available evidence, the clinical significance of this variant remains unclear.

Labcorp Genetics (formerly Invitae), Labcorp
Classification: Uncertain significance. Last evaluated: 2019-09-01. Review status: criteria provided, single submitter. Criteria: Invitae Variant Classification Sherloc (09022015). Collection method: clinical testing. Allele origin: germline.
Comment: In summary, the available evidence is currently insufficient to determine the role of this variant in disease. Therefore, it has been classified as a Variant of Uncertain Significance. Experimental studies and prediction algorithms are not available or were not evaluated for this variant, and the functional significance of this variant is currently unknown. This variant has not been reported in the literature in individuals with RPS20-related conditions. This variant is not present in population databases (ExAC no frequency). This variant, c.283_285del, results in the deletion of 1 amino acid(s) of the RPS20 protein (p.Ser95del), but otherwise preserves the integrity of the reading frame.